The following is an entry in ClinVar:

NM_024675.4(PALB2):c.3498_3502del (p.Thr1167fs)

Gene: PALB2 (partner and localizer of BRCA2; minus strand). Cytogenetic location: 16p12.2.
Variant type: Deletion.
Coding change: c.3498_3502del on transcript NM_024675.4 (MANE Select); coding-DNA positions 3498 to 3502, 5 bases deleted (TACAG; older notation c.3498_3502delTACAG).
Protein change: p.Thr1167fs; shifts the reading frame from threonine 1167.
Molecular consequence: frameshift variant.
Genome position (GRCh38, 1-based): chr16:23,603,518-23,603,522, CTGTA deleted on the plus strand (TACAG on the coding strand, the reverse complement: PALB2 is on the minus strand); deleting any 5 consecutive bases within chr16:23,603,518-23,603,523 gives the same sequence; the c. name uses the placement nearest the transcript's 3' end. VCF-style (leftmost placement, unchanged base first): chr16-23603517-TCTGTA-T. GRCh37 (hg19) VCF-style: chr16-23614838-TCTGTA-T.
Other names: short protein forms T1167fs.
Identifiers: ClinVar variation 1456789 (VCV001456789.9), dbSNP rs2142252096, ClinGen allele CA2573152145.
Genomic context (GRCh38, chr16:23,603,517, plus strand): 5'-ACTTATGAATAGTGGTATACAAATATATTTCCATCTTTTTGTCCAGCCAGCAAATGAGAG[TCTGTA>T]CCCGACCATTTCACAAAAGACCAATGTTGGTCAGAGACAGGTGGGAGGAGGGCAGTACAC-3'

ClinVar aggregate classification (germline): Pathogenic (1 of 4 stars; one submission).

Conditions:
Familial cancer of breast. Also called: BREAST CANCER, FAMILIAL; hereditary breast carcinoma; Hereditary breast cancer. Identifiers: Orphanet 227535, MedGen C0346153, MONDO:0016419, OMIM 114480. Disease mechanism: loss of function.

Submission:

Labcorp Genetics (formerly Invitae), Labcorp
Classification: Pathogenic for Familial cancer of breast. Last evaluated: 2024-10-07. Review status: criteria provided, single submitter. Criteria: Invitae Variant Classification Sherloc (09022015). Collection method: clinical testing. Allele origin: germline.
Comment: This sequence change results in a frameshift in the PALB2 gene (p.Thr1167Leufs*21). While this is not anticipated to result in nonsense mediated decay, it is expected to disrupt the last 20 amino acid(s) of the PALB2 protein and extend the protein by 0 additional amino acid residues. This variant is not present in population databases (gnomAD no frequency). This variant has not been reported in the literature in individuals affected with PALB2-related conditions. ClinVar contains an entry for this variant (Variation ID: 1456789). This variant disrupts a region of the PALB2 protein in which other variant(s) (p.Tyr1183*) have been determined to be pathogenic (PMID: 17200671, 20927582, 21165770, 21365267, 26283626, 26296701). This suggests that this is a clinically significant region of the protein, and that variants that disrupt it are likely to be disease-causing. For these reasons, this variant has been classified as Pathogenic.

Literature cited by the submitters: PubMed 17200671; PubMed 20927582; PubMed 21165770; PubMed 21365267; PubMed 26283626; PubMed 26296701.